The following is an entry in ClinVar:

ClinVar aggregate classification (germline): Uncertain significance (1 of 4 stars; one submission).

Conditions:
Charcot-Marie-Tooth disease axonal type 2C (HMSN2C). Also called: Charcot-Marie-Tooth Disease Type 2, TRPV4-Related (CMT2C); CHARCOT-MARIE-TOOTH DISEASE, AXONAL, AUTOSOMAL DOMINANT, TYPE 2C; Charcot-Marie-Tooth Neuropathy Type 2C. Identifiers: Orphanet 99937, MedGen C1853710, MONDO:0011633, OMIM 606071.

Submission:

Labcorp Genetics (formerly Invitae), Labcorp
Classification: Uncertain significance for Charcot-Marie-Tooth disease axonal type 2C. Last evaluated: 2022-03-25. Review status: criteria provided, single submitter. Criteria: Invitae Variant Classification Sherloc (09022015). Collection method: clinical testing. Allele origin: germline.
Comment: In summary, the available evidence is currently insufficient to determine the role of this variant in disease. Therefore, it has been classified as a Variant of Uncertain Significance. Algorithms developed to predict the effect of missense changes on protein structure and function are either unavailable or do not agree on the potential impact of this missense change (SIFT: "Tolerated"; PolyPhen-2: "Possibly Damaging"; Align-GVGD: "Class C0"). This variant has not been reported in the literature in individuals affected with TRPV4-related conditions. This variant is not present in population databases (gnomAD no frequency). This sequence change replaces valine, which is neutral and non-polar, with leucine, which is neutral and non-polar, at codon 780 of the TRPV4 protein (p.Val780Leu).

NM_021625.5(TRPV4):c.2338G>T (p.Val780Leu)

Gene: TRPV4 (transient receptor potential cation channel subfamily V member 4; minus strand). Cytogenetic location: 12q24.11.
Variant type: single nucleotide variant.
Coding change: c.2338G>T on transcript NM_021625.5 (MANE Select); coding-DNA position 2338, G replaced by T.
Protein change: p.Val780Leu; replaces valine 780 with leucine.
Molecular consequence: missense variant.
Genome position (GRCh38, 1-based): chr12:109,784,436, C>A on the plus strand (G>T on the coding strand, the complement: TRPV4 is on the minus strand). VCF-style: chr12-109784436-C-A. GRCh37 (hg19) VCF-style: chr12-110222241-C-A.
Other names: c.2197G>T, p.Val733Leu (NM_001177428.2); c.2236G>T, p.Val746Leu (NM_001177431.2); c.2017G>T, p.Val673Leu (NM_001177433.2); c.2158G>T, p.Val720Leu (NM_147204.3); short protein forms V720L, V780L, V673L, V733L, V746L.
Identifiers: ClinVar variation 1971370 (VCV001971370.5), dbSNP rs545217522, ClinGen allele CA386648952.